The following is an entry in ClinVar:

NM_024301.5(FKRP):c.299G>A (p.Arg100His)

Gene: FKRP (fukutin related protein; plus strand). Cytogenetic location: 19q13.32.
Variant type: single nucleotide variant.
Coding change: c.299G>A on transcript NM_024301.5 (MANE Select); coding-DNA position 299, G replaced by A.
Protein change: p.Arg100His; replaces arginine 100 with histidine.
Molecular consequence: missense variant.
Genome position (GRCh38, 1-based): chr19:46,755,749, G>A. VCF-style: chr19-46755749-G-A. GRCh37 (hg19) VCF-style: chr19-47259006-G-A.
Other names: p.Arg100His; c.299G>A, p.Arg100His (NM_001039885.3); short protein forms R100H.
Identifiers: ClinVar variation 966605 (VCV000966605.10), dbSNP rs1174581828, ClinGen allele CA406495060.

ClinVar aggregate classification (germline): Uncertain significance. Review status: criteria provided, multiple submitters, no conflicts (2 of 4 stars). 4 submissions from 4 submitters: Uncertain significance (3). 1 of the submissions does not count toward it. Last evaluated 2025-06-09.

Conditions:
Cardiovascular phenotype. Identifiers: MedGen CN230736.
Walker-Warburg congenital muscular dystrophy. Also called: Muscular dystrophy-dystroglycanopathy, type A; Walker-Warburg syndrome. Identifiers: Orphanet 899, MedGen C0265221, MONDO:0000171.
Autosomal recessive limb-girdle muscular dystrophy type 2I. Also called: MUSCULAR DYSTROPHY-DYSTROGLYCANOPATHY (LIMB-GIRDLE), TYPE C, 5; MUSCULAR DYSTROPHY-DYSTROGLYCANOPATHY, LIMB-GIRDLE, FRKP-RELATED; MUSCULAR DYSTROPHY, LIMB-GIRDLE, TYPE 2I. Identifiers: Orphanet 34515, MedGen C1846672, MONDO:0011787, OMIM 607155.

Allele frequency attached by ClinVar (database versions not stated): gnomAD 0.00001; TOPMed 0.00001.
gnomAD v4.1: 2 of 1,551,880 alleles (0.00013%); highest among the groups gnomAD compares: Admixed American, 0.0018%; no homozygotes.

Submissions (4):

Ambry Genetics
Classification: Uncertain significance for Cardiovascular phenotype. Last evaluated: 2025-06-09. Review status: criteria provided, single submitter. Criteria: Ambry Variant Classification Scheme 2023. Collection method: clinical testing. Allele origin: germline.
Comment: The p.R100H variant (also known as c.299G>A), located in coding exon 1 of the FKRP gene, results from a G to A substitution at nucleotide position 299. The arginine at codon 100 is replaced by histidine, an amino acid with highly similar properties. This amino acid position is conserved. In addition, the in silico prediction for this alteration is inconclusive. Based on the available evidence, the clinical significance of this variant remains unclear.

Mayo Clinic Laboratories, Mayo Clinic
Classification: Uncertain significance. Last evaluated: 2023-04-18. Review status: criteria provided, single submitter. Criteria: ACMG Guidelines, 2015. Collection method: clinical testing. Allele origin: germline. Observed: 1 variant allele.
Comment: PM2

Labcorp Genetics (formerly Invitae), Labcorp
Classification: Uncertain significance for Walker-Warburg congenital muscular dystrophy. Last evaluated: 2022-07-19. Review status: criteria provided, single submitter. Criteria: Invitae Variant Classification Sherloc (09022015). Collection method: clinical testing. Allele origin: germline.
Comment: This sequence change replaces arginine, which is basic and polar, with histidine, which is basic and polar, at codon 100 of the FKRP protein (p.Arg100His). This variant is not present in population databases (gnomAD no frequency). This variant has not been reported in the literature in individuals affected with FKRP-related conditions. ClinVar contains an entry for this variant (Variation ID: 966605). Algorithms developed to predict the effect of missense changes on protein structure and function output the following: SIFT: "Tolerated"; PolyPhen-2: "Benign"; Align-GVGD: "Class C0". The histidine amino acid residue is found in multiple mammalian species, which suggests that this missense change does not adversely affect protein function. In summary, the available evidence is currently insufficient to determine the role of this variant in disease. Therefore, it has been classified as a Variant of Uncertain Significance.

Natera, Inc.
Classification: Uncertain significance for Limb-girdle muscular dystrophy type 2I. Last evaluated: 2020-09-11. Review status: no assertion criteria provided. Collection method: clinical testing. Allele origin: germline. Not counted in ClinVar's aggregate classification.